The following is an entry in ClinVar:

ClinVar aggregate classification (germline): Uncertain significance (1 of 4 stars; one submission).

Conditions:
Alstrom syndrome (ALMS). Identifiers: Orphanet 64, MedGen C0268425, MONDO:0008763, OMIM 203800.

Submission:

Labcorp Genetics (formerly Invitae), Labcorp
Classification: Uncertain significance for Alstrom syndrome. Last evaluated: 2021-07-21. Review status: criteria provided, single submitter. Criteria: Invitae Variant Classification Sherloc (09022015). Collection method: clinical testing. Allele origin: germline.
Comment: This sequence change replaces isoleucine with leucine at codon 3433 of the ALMS1 protein (p.Ile3433Leu). The isoleucine residue is moderately conserved and there is a small physicochemical difference between isoleucine and leucine. This variant is not present in population databases (ExAC no frequency). This variant has not been reported in the literature in individuals affected with ALMS1-related conditions. Experimental studies and prediction algorithms are not available or were not evaluated, and the functional significance of this variant is currently unknown. In summary, the available evidence is currently insufficient to determine the role of this variant in disease. Therefore, it has been classified as a Variant of Uncertain Significance.

NM_001378454.1(ALMS1):c.10294A>C (p.Ile3432Leu)

Gene: ALMS1 (ALMS1 centrosome and basal body associated protein; plus strand). Cytogenetic location: 2p13.1.
Variant type: single nucleotide variant.
Coding change: c.10294A>C on transcript NM_001378454.1 (MANE Select); coding-DNA position 10294, A replaced by C.
Protein change: p.Ile3432Leu; replaces isoleucine 3432 with leucine.
Molecular consequence: missense variant.
Genome position (GRCh38, 1-based): chr2:73,559,052, A>C. VCF-style: chr2-73559052-A-C. GRCh37 (hg19) VCF-style: chr2-73786179-A-C.
Other names: c.10297A>C, p.Ile3433Leu (NM_015120.4); short protein forms I3433L, I3432L.
Identifiers: ClinVar variation 1368857 (VCV001368857.1), dbSNP rs2104063946, ClinGen allele CA347278045.
Genomic context (GRCh38, chr2:73,559,052, plus strand): 5'-GCAGAGCACTCAGCTCAAGTAGGAGACCCAGAAATGAAGAACTTGCCAGACACTAAAGCC[A>C]TTACACAGAAAGAGGAGATCCATAGGAAGAAGACAGTTCCCGAGGAAGCCTGGCCAAACA-3'
Protein context (NP_001365383.1, residues 3422-3442): EMKNLPDTKA[Ile3432Leu]TQKEEIHRKK